The following is an entry in ClinVar:

NM_003803.4(MYOM1):c.2837T>A (p.Phe946Tyr)

Gene: MYOM1 (myomesin 1; minus strand). Cytogenetic location: 18p11.31.
Variant type: single nucleotide variant.
Coding change: c.2837T>A on transcript NM_003803.4 (MANE Select); coding-DNA position 2837, T replaced by A.
Protein change: p.Phe946Tyr; replaces phenylalanine 946 with tyrosine.
Molecular consequence: missense variant.
Genome position (GRCh38, 1-based): chr18:3,126,855, A>T on the plus strand (T>A on the coding strand, the complement: MYOM1 is on the minus strand). VCF-style: chr18-3126855-A-T. GRCh37 (hg19) VCF-style: chr18-3126853-A-T.
Other names: c.2549T>A, p.Phe850Tyr (NM_019856.2); short protein forms F850Y, F946Y.
Identifiers: ClinVar variation 3718144 (VCV003718144.2).

ClinVar aggregate classification (germline): Uncertain significance (1 of 4 stars; one submission).

Conditions:
Hypertrophic cardiomyopathy. Also called: HYPERTROPHIC MYOCARDIOPATHY. Identifiers: Orphanet 217569, MedGen C0007194, MeSH D002312, MONDO:0005045, HP:0001639.

gnomAD v4.1: 2 of 1,613,042 alleles (0.00012%); highest among the groups gnomAD compares: Non-Finnish European, 0.00017%; no homozygotes.

Submission:

Labcorp Genetics (formerly Invitae), Labcorp
Classification: Uncertain significance for Hypertrophic cardiomyopathy. Last evaluated: 2025-03-18. Review status: criteria provided, single submitter. Criteria: Invitae Variant Classification Sherloc (09022015). Collection method: clinical testing. Allele origin: germline.
Comment: This sequence change replaces phenylalanine, which is neutral and non-polar, with tyrosine, which is neutral and polar, at codon 946 of the MYOM1 protein (p.Phe946Tyr). This variant is not present in population databases (gnomAD no frequency). This variant has not been reported in the literature in individuals affected with MYOM1-related conditions. Invitae Evidence Modeling of protein sequence and biophysical properties (such as structural, functional, and spatial information, amino acid conservation, physicochemical variation, residue mobility, and thermodynamic stability) indicates that this missense variant is not expected to disrupt MYOM1 protein function with a negative predictive value of 80%. In summary, the available evidence is currently insufficient to determine the role of this variant in disease. Therefore, it has been classified as a Variant of Uncertain Significance.